The following is an entry in ClinVar:

ClinVar aggregate classification (germline): Likely pathogenic (1 of 4 stars; one submission).

Conditions:
Dilated cardiomyopathy 1G (CMD1G). Identifiers: Orphanet 154, MedGen C1858763, MONDO:0011400, OMIM 604145.
Autosomal recessive limb-girdle muscular dystrophy type 2J (LGMDR10). Also called: MUSCULAR DYSTROPHY, LIMB-GIRDLE, AUTOSOMAL RECESSIVE 10; Limb-girdle muscular dystrophy, type 2J. Identifiers: Orphanet 140922, MedGen C1837342, MONDO:0012127, OMIM 608807.

Submission:

Labcorp Genetics (formerly Invitae), Labcorp
Classification: Likely pathogenic for Dilated cardiomyopathy 1G; Autosomal recessive limb-girdle muscular dystrophy type 2J. Last evaluated: 2022-12-23. Review status: criteria provided, single submitter. Criteria: Invitae Variant Classification Sherloc (09022015). Collection method: clinical testing. Allele origin: germline.
Comment: This sequence change creates a premature translational stop signal (p.Met28214Serfs*5) in the TTN gene. While this is not anticipated to result in nonsense mediated decay, it is expected to create a truncated TTN protein. This variant is not present in population databases (gnomAD no frequency). This variant has not been reported in the literature in individuals affected with TTN-related conditions. This variant is located in the A band of TTN (PMID: 25589632). Truncating variants in this region are significantly overrepresented in patients affected with dilated cardiomyopathy (PMID: 25589632). Truncating variants in this region have also been reported in individuals affected with autosomal recessive centronuclear myopathy (PMID: 23975875). In summary, the currently available evidence indicates that the variant is pathogenic, but additional data are needed to prove that conclusively. Therefore, this variant has been classified as Likely Pathogenic.

Literature cited by the submitters: PubMed 25589632; PubMed 23975875.

NM_001267550.2(TTN):c.84641_84645del (p.Met28214fs)

Genes: TTN-AS1 (TTN antisense RNA 1; plus strand), TTN (titin; minus strand). Cytogenetic location: 2q31.2.
Variant type: Deletion.
Coding change: c.84641_84645del on transcript NM_001267550.2 (MANE Select); coding-DNA positions 84641 to 84645, 5 bases deleted (TGAAA; older notation c.84641_84645delTGAAA).
Protein change: p.Met28214fs; shifts the reading frame from methionine 28214.
Molecular consequence: frameshift variant.
Genome position (GRCh38, 1-based): chr2:178,561,487-178,561,491, TTTCA deleted on the plus strand (TGAAA on the coding strand, the reverse complement: TTN is on the minus strand); deleting any 5 consecutive bases within chr2:178,561,487-178,561,494 gives the same sequence; the c. name uses the placement nearest the transcript's 3' end. VCF-style (leftmost placement, unchanged base first): chr2-178561486-CTTTCA-C. GRCh37 (hg19) VCF-style: chr2-179426213-CTTTCA-C.
Other names: c.79718_79722del, p.Met26573fs (NM_001256850.1); c.57446_57450del, p.Met19149fs (NM_003319.4); c.76937_76941del, p.Met25646fs (NM_133378.4); c.57821_57825del, p.Met19274fs (NM_133432.3); c.58022_58026del, p.Met19341fs (NM_133437.4); short protein forms M19149fs, M19274fs, M25646fs, M19341fs, M26573fs, M28214fs.
Identifiers: ClinVar variation 2942629 (VCV002942629.3), dbSNP rs2469694543, ClinGen allele CA2740095906.
Genomic context (GRCh38, chr2:178,561,486, plus strand): 5'-CAGCAATATTTTCAGCATATACACGATACTCATACATCAGTCCTTCATCAAGGCCGGAGA[CTTTCA>C]TTTGAGTATCAGCAATGAGGATTTTATTTGCTTTTGACCAAAGAATGCTGCTTCTTTCTT-3'